The following is an entry in ClinVar:

ClinVar aggregate classification (germline): Uncertain significance (1 of 4 stars; one submission).

Conditions:
Early-infantile DEE. Also called: Early infantile epileptic encephalopathy with suppression bursts; Early infantile epileptic encephalopathy; Ohtahara syndrome. Identifiers: Orphanet 1934, MedGen C0393706, MONDO:0800491.

Submission:

Labcorp Genetics (formerly Invitae), Labcorp
Classification: Uncertain significance for Early-infantile DEE. Last evaluated: 2023-09-08. Review status: criteria provided, single submitter. Criteria: Invitae Variant Classification Sherloc (09022015). Collection method: clinical testing. Allele origin: germline.
Comment: This sequence change replaces glycine, which is neutral and non-polar, with alanine, which is neutral and non-polar, at codon 345 of the KCNH5 protein (p.Gly345Ala). In summary, the available evidence is currently insufficient to determine the role of this variant in disease. Therefore, it has been classified as a Variant of Uncertain Significance. An algorithm developed to predict the effect of missense changes on protein structure and function (PolyPhen-2) suggests that this variant is likely to be disruptive. This variant has not been reported in the literature in individuals affected with KCNH5-related conditions. This variant is not present in population databases (gnomAD no frequency).

NM_139318.5(KCNH5):c.1034G>C (p.Gly345Ala)

Gene: KCNH5 (potassium voltage-gated channel subfamily H member 5; minus strand). Cytogenetic location: 14q23.2.
Variant type: single nucleotide variant.
Coding change: c.1034G>C on transcript NM_139318.5 (MANE Select); coding-DNA position 1034, G replaced by C.
Protein change: p.Gly345Ala; replaces glycine 345 with alanine.
Molecular consequence: missense variant.
Genome position (GRCh38, 1-based): chr14:62,950,468, C>G on the plus strand (G>C on the coding strand, the complement: KCNH5 is on the minus strand). VCF-style: chr14-62950468-C-G. GRCh37 (hg19) VCF-style: chr14-63417186-C-G.
Other names: c.1034G>C, p.Gly345Ala (NM_172375.3); short protein forms G345A.
Identifiers: ClinVar variation 2743189 (VCV002743189.3), dbSNP rs2503005360, ClinGen allele CA390103406.
Genomic context (GRCh38, chr14:62,950,468, plus strand): 5'-CAGGCCAGCCAGTGGGCCACCAGTCCAAACACACACACCAGGAGCACGAGGACTGCTGCT[C>G]CATATTCTAGGTAATGGTCCAGTTTCCTAGCCACACGGCCCAGTCGTAAGAGACGCACCA-3'
Protein context (NP_647479.2, residues 335-355): ARKLDHYLEY[Gly345Ala]AAVLVLLVCV